The following is an entry in ClinVar:

ClinVar aggregate classification (germline): Benign. Review status: criteria provided, multiple submitters, no conflicts (2 of 4 stars). 16 submissions from 16 submitters: Benign (16). Last evaluated 2026-02-04.

Conditions:
Hereditary cancer-predisposing syndrome. Also called: Tumor predisposition; Neoplastic Syndromes, Hereditary; Hereditary neoplastic syndrome; Hereditary Cancer Syndrome. Identifiers: Orphanet 140162, MedGen C0027672, MeSH D009386, MONDO:0015356.
Hereditary breast ovarian cancer syndrome. Also called: Hereditary breast and ovarian cancer syndrome; Hereditary breast and ovarian cancer syndrome (HBOC); Hereditary breast and ovarian cancer; Breast and ovarian cancer; BRCA1- and BRCA2-Associated Hereditary Breast and Ovarian Cancer; Hereditary breast and/or ovarian cancer syndrome. Identifiers: Orphanet 145, MedGen C0677776, MeSH D061325, MONDO:0003582. Disease mechanism: loss of function.
Familial cancer of breast. Also called: BREAST CANCER, FAMILIAL; hereditary breast carcinoma; Hereditary breast cancer. Identifiers: Orphanet 227535, MedGen C0346153, MONDO:0016419, OMIM 114480. Disease mechanism: loss of function.

Allele frequency attached by ClinVar (database versions not stated): ESP Exome Variant Server 0.71382; TOPMed 0.73811; gnomAD 0.74904 and 0.75581; 1000 Genomes Project 30x 0.76530; 1000 Genomes Project 0.77057; gnomAD exomes 0.80839 and 0.81693; ExAC 0.81342.
gnomAD v4.1: 1,294,591 of 1,612,710 alleles (80%); highest among the groups gnomAD compares: East Asian, 94%; 522,597 homozygotes.

Submissions (16):

Labcorp Genetics (formerly Invitae), Labcorp
Classification: Benign for Familial cancer of breast. Last evaluated: 2026-02-04. Review status: criteria provided, single submitter. Criteria: Invitae Variant Classification Sherloc (09022015). Collection method: clinical testing. Allele origin: germline.

ARUP Laboratories, Molecular Genetics and Genomics, ARUP Laboratories
Classification: Benign for Familial cancer of breast. Last evaluated: 2025-07-30. Review status: criteria provided, single submitter. Criteria: ARUP Molecular Germline Variant Investigation Process 2024. Collection method: clinical testing. Allele origin: germline.

GeneKor MSA
Classification: Benign for Hereditary cancer-predisposing syndrome. Last evaluated: 2025-07-10. Review status: criteria provided, single submitter. Criteria: ACMG Guidelines, 2015. Collection method: clinical testing. Allele origin: germline.

Blueprint Genetics
Classification: Benign. Last evaluated: 2024-11-26. Review status: criteria provided, single submitter. Criteria: ACMG Guidelines, 2015. Collection method: clinical testing. Allele origin: germline.

Myriad Genetics, Inc.
Classification: Benign for Familial cancer of breast. Last evaluated: 2024-07-25. Review status: criteria provided, single submitter. Criteria: Myriad Autosomal Dominant, Autosomal Recessive and X-Linked Classification Criteria (2023). Collection method: clinical testing. Allele origin: unknown.
Comment: This variant is considered benign. This variant is a silent/synonymous amino acid change and it is not expected to impact splicing.

KCCC/NGS Laboratory, Kuwait Cancer Control Center
Classification: Benign for Familial cancer of breast. Last evaluated: 2023-07-07. Review status: criteria provided, single submitter. Criteria: ACMG Guidelines, 2015. Collection method: clinical testing. Allele origin: germline. Affected: yes.

Mayo Clinic Laboratories, Mayo Clinic
Classification: Benign. Last evaluated: 2022-05-05. Review status: criteria provided, single submitter. Criteria: ACMG Guidelines, 2015. Collection method: clinical testing. Allele origin: germline. Observed: 937 variant alleles.

Fulgent Genetics
Classification: Benign for Familial cancer of breast. Last evaluated: 2022-04-19. Review status: criteria provided, single submitter. Criteria: ACMG Guidelines, 2015. Collection method: clinical testing. Allele origin: unknown.

National Health Laboratory Service, Universitas Academic Hospital and University of the Free State
Classification: Benign for Hereditary breast ovarian cancer syndrome. Last evaluated: 2022-04-19. Review status: criteria provided, single submitter. Criteria: ACMG Guidelines, 2015. Collection method: clinical testing. Allele origin: germline. Affected: yes. Observed: 119 variant alleles.

Illumina Laboratory Services, Illumina
Classification: Benign for Familial cancer of breast. Last evaluated: 2018-01-12. Review status: criteria provided, single submitter. Criteria: ICSL Variant Classification Criteria 13 December 2019. Collection method: clinical testing. Allele origin: germline.
Comment: This variant was observed in the ICSL laboratory as part of a predisposition screen in an ostensibly healthy population. It had not been previously curated by ICSL or reported in the Human Gene Mutation Database (HGMD: prior to June 1st, 2018), and was therefore a candidate for classification through an automated scoring system. Utilizing variant allele frequency, disease prevalence and penetrance estimates, and inheritance mode, an automated score was calculated to assess if this variant is too frequent to cause the disease. Based on the score and internal cut-off values, a variant classified as benign is not then subjected to further curation. The score for this variant resulted in a classification of benign for this disease.

Laboratory for Molecular Medicine, Mass General Brigham Personalized Medicine
Classification: Benign. Last evaluated: 2016-03-28. Review status: criteria provided, single submitter. Criteria: LMM Criteria. Collection method: clinical testing. Allele origin: germline.
Comment: Variant identified in a genome or exome case(s) and assessed due to predicted null impact of the variant or pathogenic assertions in the literature or databases. Disclaimer: This variant has not undergone full assessment. The following are preliminary notes: Frequency

Color Diagnostics, LLC DBA Color Health
Classification: Benign for Hereditary cancer-predisposing syndrome. Last evaluated: 2015-03-31. Review status: criteria provided, single submitter. Criteria: ACMG Guidelines, 2015. Collection method: clinical testing. Allele origin: germline.

GeneDx
Classification: Benign. Last evaluated: 2015-03-03. Review status: criteria provided, single submitter. Criteria: GeneDx Variant Classification Process June 2021. Collection method: clinical testing. Allele origin: germline. Affected: yes.

Ambry Genetics
Classification: Benign for Hereditary cancer-predisposing syndrome. Last evaluated: 2014-11-18. Review status: criteria provided, single submitter. Criteria: Ambry Variant Classification Scheme 2023. Collection method: clinical testing. Allele origin: germline.

Breakthrough Genomics
Classification: Benign. Review status: criteria provided, single submitter. Criteria: ACMG Guidelines, 2015. Collection method: not provided. Allele origin: germline. Inheritance: Autosomal dominant inheritance. Affected: yes.

PreventionGenetics, part of Exact Sciences
Classification: Benign. Review status: criteria provided, single submitter. Criteria: ACMG Guidelines, 2015. Collection method: clinical testing. Allele origin: germline.

NM_000465.4(BARD1):c.1518T>C (p.His506=)

Gene: BARD1 (BRCA1 associated RING domain 1; minus strand). Cytogenetic location: 2q35.
Variant type: single nucleotide variant.
Coding change: c.1518T>C on transcript NM_000465.4 (MANE Select); coding-DNA position 1518, T replaced by C.
Protein change: p.His506=; no amino-acid change (histidine 506 retained).
Molecular consequence: synonymous variant. On other transcripts: non-coding transcript variant (3), intron variant (3).
Genome position (GRCh38, 1-based): chr2:214,767,532, A>G on the plus strand (T>C on the coding strand, the complement: BARD1 is on the minus strand). VCF-style: chr2-214767532-A-G. GRCh37 (hg19) VCF-style: chr2-215632256-A-G.
Other names: NP_000456.2:p.His506=; p.His506=; c.1461T>C, p.His487= (NM_001282543.2); c.159-14977T>C (NM_001282548.2); c.216-14977T>C (NM_001282545.2); c.364+24765T>C (NM_001282549.2).
Identifiers: ClinVar variation 183704 (VCV000183704.45), dbSNP rs2070093, ClinGen allele CA186180.